The following is an entry in ClinVar:

NM_006059.4(LAMC3):c.2306G>A (p.Ser769Asn)

Gene: LAMC3 (laminin subunit gamma 3; plus strand). Cytogenetic location: 9q34.12.
Variant type: single nucleotide variant.
Coding change: c.2306G>A on transcript NM_006059.4 (MANE Select); coding-DNA position 2306, G replaced by A.
Protein change: p.Ser769Asn; replaces serine 769 with asparagine.
Molecular consequence: missense variant.
Genome position (GRCh38, 1-based): chr9:131,061,182, G>A. VCF-style: chr9-131061182-G-A. GRCh37 (hg19) VCF-style: chr9-133936569-G-A.
Other names: short protein forms S769N.
Identifiers: ClinVar variation 1432106 (VCV001432106.8), dbSNP rs1388087521, ClinGen allele CA375267223.

ClinVar aggregate classification (germline): Uncertain significance (1 of 4 stars; one submission).

Allele frequency attached by ClinVar (database versions not stated): gnomAD exomes below 0.00001.
gnomAD v4.1: 2 of 1,611,804 alleles (0.00012%); highest among the groups gnomAD compares: Non-Finnish European, 0.00017%; no homozygotes.

Submission:

Labcorp Genetics (formerly Invitae), Labcorp
Classification: Uncertain significance. Last evaluated: 2021-02-18. Review status: criteria provided, single submitter. Criteria: Invitae Variant Classification Sherloc (09022015). Collection method: clinical testing. Allele origin: germline.
Comment: This sequence change replaces serine with asparagine at codon 769 of the LAMC3 protein (p.Ser769Asn). The serine residue is moderately conserved and there is a small physicochemical difference between serine and asparagine. This variant is not present in population databases (ExAC no frequency). This variant has not been reported in the literature in individuals with LAMC3-related conditions. Algorithms developed to predict the effect of missense changes on protein structure and function are either unavailable or do not agree on the potential impact of this missense change (SIFT: "Tolerated"; PolyPhen-2: "Probably Damaging"; Align-GVGD: "Class C0"). In summary, the available evidence is currently insufficient to determine the role of this variant in disease. Therefore, it has been classified as a Variant of Uncertain Significance.